The following is an entry in ClinVar:

NM_000208.4(INSR):c.*104A>G

Gene: INSR (insulin receptor; minus strand). Cytogenetic location: 19p13.2.
Variant type: single nucleotide variant.
Coding change: c.*104A>G on transcript NM_000208.4 (MANE Select); 104 bases downstream of the stop codon, A replaced by G.
Molecular consequence: 3 prime UTR variant.
Genome position (GRCh38, 1-based): chr19:7,116,952, T>C on the plus strand (A>G on the coding strand, the complement: INSR is on the minus strand). VCF-style: chr19-7116952-T-C. GRCh37 (hg19) VCF-style: chr19-7116963-T-C.
Other names: c.*104A>G (NM_001079817.3).
Identifiers: ClinVar variation 330436 (VCV000330436.7), dbSNP rs1051690, ClinGen allele CA10643414.

ClinVar aggregate classification (germline): Benign. Review status: criteria provided, multiple submitters, no conflicts (2 of 4 stars). 5 submissions from 3 submitters: Benign (5). Last evaluated 2018-11-12.

Conditions:
Leprechaunism syndrome. Also called: Donohue syndrome; LEPRECHAUNISM. Identifiers: Orphanet 508, MedGen C0265344, MONDO:0009517, OMIM 246200.
Insulin-resistant diabetes mellitus AND acanthosis nigricans. Also called: Insulin-resistance syndrome type A; INSULIN RECEPTOR, DEFECT IN, WITH INSULIN-RESISTANT DIABETES MELLITUS AND ACANTHOSIS NIGRICANS; IRAN, TYPE A; type A insulin resistance; DIABETES MELLITUS, INSULIN-RESISTANT, WITH ACANTHOSIS NIGRICANS, TYPE A. Identifiers: Orphanet 2297, MedGen C0342278, MONDO:0012520, OMIM 610549.
Rabson-Mendenhall syndrome. Also called: MENDENHALL SYNDROME; Pineal Hyperplasia, Insulin-Resistant Diabetes Mellitus, and Somatic Abnormalities; Pineal hyperplasia AND diabetes mellitus syndrome. Identifiers: Orphanet 769, MedGen C0271695, MONDO:0009874, OMIM 262190.

Allele frequency attached by ClinVar (database versions not stated): gnomAD 0.83181 and 0.83667; TOPMed 0.84518; gnomAD exomes 0.84931; 1000 Genomes Project 30x 0.87117; 1000 Genomes Project 0.87740.
gnomAD v4.1: 779,892 of 920,464 alleles (85%); highest among the groups gnomAD compares: East Asian, 95%; 331,331 homozygotes.

Submissions (5):

GeneDx
Classification: Benign. Last evaluated: 2018-11-12. Review status: criteria provided, single submitter. Criteria: GeneDx Variant Classification Process June 2021. Collection method: clinical testing. Allele origin: germline. Affected: yes.
Comment: This variant is associated with the following publications: (PMID: 23315997, 20971123, 18192692)

Illumina Laboratory Services, Illumina
Classification: Benign for Rabson-Mendenhall syndrome. Last evaluated: 2018-01-15. Review status: criteria provided, single submitter. Criteria: ICSL Variant Classification Criteria 13 December 2019. Collection method: clinical testing. Allele origin: germline.
Comment: This variant was observed as part of a predisposition screen in an ostensibly healthy population. A literature search was performed for the gene, cDNA change, and amino acid change (where applicable). No publications were found based on this search. Allele frequency data from public databases was too high to be consistent with this variant causing disease. Therefore, this variant is classified as benign.

Illumina Laboratory Services, Illumina
Classification: Benign for Leprechaunism syndrome. Last evaluated: 2017-04-27. Review status: criteria provided, single submitter. Criteria: ICSL Variant Classification Criteria 13 December 2019. Collection method: clinical testing. Allele origin: germline.
Comment: the same text as in the submission from Illumina Laboratory Services, Illumina above.

Illumina Laboratory Services, Illumina
Classification: Benign for Insulin-resistant diabetes mellitus AND acanthosis nigricans. Last evaluated: 2017-04-27. Review status: criteria provided, single submitter. Criteria: ICSL Variant Classification Criteria 13 December 2019. Collection method: clinical testing. Allele origin: germline.
Comment: the same text as in the submission from Illumina Laboratory Services, Illumina above.

Breakthrough Genomics
Classification: Benign. Review status: criteria provided, single submitter. Criteria: ACMG Guidelines, 2015. Collection method: not provided. Allele origin: germline. Inheritance: Autosomal recessive inheritance. Affected: yes.